The following is an entry in ClinVar:

NM_182914.3(SYNE2):c.16572C>T (p.His5524=)

Gene: SYNE2 (spectrin repeat containing nuclear envelope protein 2; plus strand). Cytogenetic location: 14q23.2.
Variant type: single nucleotide variant.
Coding change: c.16572C>T on transcript NM_182914.3 (MANE Select); coding-DNA position 16572, C replaced by T.
Protein change: p.His5524=; no amino-acid change (histidine 5524 retained).
Molecular consequence: synonymous variant.
Genome position (GRCh38, 1-based): chr14:64,165,377, C>T. VCF-style: chr14-64165377-C-T. GRCh37 (hg19) VCF-style: chr14-64632095-C-T.
Other names: c.16572C>T, p.His5524= (NM_015180.6).
Identifiers: ClinVar variation 750888 (VCV000750888.33), dbSNP rs746969779, ClinGen allele CA7223411.
Genomic context (GRCh38, chr14:64,165,377, plus strand): 5'-CCGGCTGGAATCTTTAAAAGGTCTTATTATGCATGAAGAAGAGAATTTGGATAGACTTCA[C>T]CAACAGGAAAAAGAAAATCCTGACTCATTCCTGGTATTGCCAATATTTGTCTTTTCTAAG-3'
Protein context (NP_878918.2, residues 5514-5534): MHEEENLDRL[His5524=]QQEKENPDSF

ClinVar aggregate classification (germline): Likely benign. Review status: criteria provided, multiple submitters, no conflicts (2 of 4 stars). 2 submissions from 2 submitters: Likely benign (2). Last evaluated 2022-07-01.

Conditions:
Emery-Dreifuss muscular dystrophy 5, autosomal dominant (EDMD5). Also called: EMERY-DREIFUSS MUSCULAR DYSTROPHY 5. Identifiers: Orphanet 261, MedGen C2751805, MONDO:0013072, OMIM 612999.

Allele frequency attached by ClinVar (database versions not stated): gnomAD exomes below 0.00001; ExAC 0.00001.

Submissions (2):

CeGaT Center for Human Genetics Tuebingen
Classification: Likely benign. Last evaluated: 2022-07-01. Review status: criteria provided, single submitter. Criteria: CeGaT Center For Human Genetics Tuebingen Variant Classification Criteria Version 2. Collection method: clinical testing. Allele origin: germline. Affected: yes. Observed: 1 variant allele.
Comment: SYNE2: BP4, BP7

Labcorp Genetics (formerly Invitae), Labcorp
Classification: Likely benign for Emery-Dreifuss muscular dystrophy 5, autosomal dominant. Last evaluated: 2020-02-21. Review status: criteria provided, single submitter. Criteria: Invitae Variant Classification Sherloc (09022015). Collection method: clinical testing. Allele origin: germline.